The following is an entry in ClinVar:

NM_015107.3(PHF8):c.1918C>T (p.Arg640Trp)

Gene: PHF8 (PHD finger protein 8; minus strand). Cytogenetic location: Xp11.22.
Variant type: single nucleotide variant.
Coding change: c.1918C>T on transcript NM_015107.3 (MANE Select); coding-DNA position 1918, C replaced by T.
Protein change: p.Arg640Trp; replaces arginine 640 with tryptophan.
Molecular consequence: missense variant.
Genome position (GRCh38, 1-based): chrX:53,987,155, G>A on the plus strand (C>T on the coding strand, the complement: PHF8 is on the minus strand). VCF-style: chrX-53987155-G-A. GRCh37 (hg19) VCF-style: chrX-54013588-G-A.
Other names: c.2026C>T, p.Arg676Trp (NM_001184896.1, NM_001441097.1); c.1615C>T, p.Arg539Trp (NM_001184897.2); c.1918C>T, p.Arg640Trp (NM_001184898.2); c.1723C>T, p.Arg575Trp (NM_001441096.1, NM_001441098.1); short protein forms R575W, R640W, R676W, R539W.
Identifiers: ClinVar variation 4627372 (VCV004627372.1).

ClinVar aggregate classification (germline): Uncertain significance (1 of 4 stars; one submission).

Conditions:
Inborn genetic diseases. Identifiers: MedGen C0950123, MeSH D030342.

gnomAD v4.1: 12 of 1,178,937 alleles (0.001%); highest among the groups gnomAD compares: Non-Finnish European, 0.0014%; no homozygotes.

Submission:

Ambry Genetics
Classification: Uncertain significance for Inborn genetic diseases. Last evaluated: 2025-11-03. Review status: criteria provided, single submitter. Criteria: Ambry Variant Classification Scheme 2023. Collection method: clinical testing. Allele origin: germline.
Comment: The c.1918C>T (p.R640W) alteration is located in exon 16 (coding exon 15) of the PHF8 gene. This alteration results from a C to T substitution at nucleotide position 1918, causing the arginine (R) at amino acid position 640 to be replaced by a tryptophan (W). Based on data from gnomAD, the T allele has an overall frequency of <0.001% (1/182656) total alleles studied. The highest observed frequency was 0.007% (1/13851) of East Asian alleles. Based on insufficient or conflicting evidence, the clinical significance of this alteration remains unclear.